The following is an entry in ClinVar:

NM_177438.3(DICER1):c.129G>A (p.Thr43=)

Gene: DICER1 (dicer 1, ribonuclease III; minus strand). Cytogenetic location: 14q32.13.
Variant type: single nucleotide variant.
Coding change: c.129G>A on transcript NM_177438.3 (MANE Select); coding-DNA position 129, G replaced by A.
Protein change: p.Thr43=; no amino-acid change (threonine 43 retained).
Molecular consequence: synonymous variant.
Genome position (GRCh38, 1-based): chr14:95,133,330, C>T on the plus strand (G>A on the coding strand, the complement: DICER1 is on the minus strand). VCF-style: chr14-95133330-C-T. GRCh37 (hg19) VCF-style: chr14-95599667-C-T.
Other names: c.129G>A, p.Thr43= (NM_001195573.1, NM_001271282.3, NM_001291628.2 and 1 more transcripts).
Identifiers: ClinVar variation 477034 (VCV000477034.19), dbSNP rs748819990, ClinGen allele CA487634169.

ClinVar aggregate classification (germline): Benign/Likely benign. Review status: criteria provided, multiple submitters, no conflicts (2 of 4 stars). 4 submissions from 4 submitters: Benign (1); Likely benign (2). 1 of the submissions does not count toward it. Last evaluated 2026-04-14.

Conditions:
Hereditary cancer-predisposing syndrome. Also called: Hereditary neoplastic syndrome; Neoplastic Syndromes, Hereditary; Hereditary Cancer Syndrome; Tumor predisposition. Identifiers: Orphanet 140162, MedGen C0027672, MeSH D009386, MONDO:0015356.
DICER1-related tumor predisposition. Also called: DICER1-related pleuropulmonary blastoma cancer predisposition syndrome; DICER1 syndrome. Identifiers: Orphanet 284343, MedGen C3839822, MONDO:0100216.
DICER1-related disorder. Also called: DICER1-related condition.

gnomAD v4.1: 3 of 1,614,000 alleles (0.00019%); highest among the groups gnomAD compares: Middle Eastern, 0.017%; no homozygotes.

Submissions (4):

Myriad Genetics, Inc.
Classification: Benign for DICER1-related tumor predisposition. Last evaluated: 2026-04-14. Review status: criteria provided, single submitter. Criteria: Myriad Autosomal Dominant, Autosomal Recessive and X-Linked Classification Criteria (2023). Collection method: clinical testing. Allele origin: unknown.
Comment: This variant is considered benign. This variant is a silent/synonymous amino acid change and it is not expected to impact splicing.

Labcorp Genetics (formerly Invitae), Labcorp
Classification: Likely benign for DICER1-related tumor predisposition. Last evaluated: 2025-08-03. Review status: criteria provided, single submitter. Criteria: Invitae Variant Classification Sherloc (09022015). Collection method: clinical testing. Allele origin: germline.

Ambry Genetics
Classification: Likely benign for Hereditary cancer-predisposing syndrome. Last evaluated: 2017-09-13. Review status: criteria provided, single submitter. Criteria: Ambry Variant Classification Scheme 2023. Collection method: clinical testing. Allele origin: germline.

PreventionGenetics, part of Exact Sciences
Classification: Likely benign for DICER1-related condition. Last evaluated: 2023-10-09. Review status: no assertion criteria provided. Collection method: clinical testing. Allele origin: germline. Not counted in ClinVar's aggregate classification.
Comment: This variant is classified as likely benign based on ACMG/AMP sequence variant interpretation guidelines (Richards et al. 2015 PMID: 25741868, with internal and published modifications).